The following is an entry in ClinVar:

NM_000892.5(KLKB1):c.1881C>T (p.Ser627=)

Gene: KLKB1 (kallikrein B1; plus strand). Cytogenetic location: 4q35.2.
Variant type: single nucleotide variant.
Coding change: c.1881C>T on transcript NM_000892.5 (MANE Select); coding-DNA position 1881, C replaced by T.
Protein change: p.Ser627=; no amino-acid change (serine 627 retained).
Molecular consequence: synonymous variant. On other transcripts: 3 prime UTR variant (1).
Genome position (GRCh38, 1-based): chr4:186,258,176, C>T. VCF-style: chr4-186258176-C-T. GRCh37 (hg19) VCF-style: chr4-187179330-C-T.
Other names: c.*82C>T (NM_001318394.2); c.1275C>T, p.Ser425= (NM_001318396.2).
Identifiers: ClinVar variation 3058478 (VCV003058478.2), dbSNP rs1324451627, ClinGen allele CA442643963.
Genomic context (GRCh38, chr4:186,258,176, plus strand): 5'-ACCTGGTGTCTACACCAAAGTCGCTGAGTACATGGACTGGATTTTAGAGAAAACACAGAG[C>T]AGTGATGGAAAAGCTCAGATGCAGTCACCAGCATGAGAAGCAGTCCAGAGTCTAGGCAAT-3'
Protein context (NP_000883.2, residues 617-637): YMDWILEKTQ[Ser627=]SDGKAQMQSP

ClinVar aggregate classification (germline): Likely benign (0 of 4 stars; one submission).

Conditions:
KLKB1-related disorder. Also called: KLKB1-related condition.

Allele frequency attached by ClinVar (database versions not stated): gnomAD 0.00001; gnomAD exomes 0.00001; TOPMed 0.00002.
gnomAD v4.1: 9 of 1,614,022 alleles (0.00056%); highest among the groups gnomAD compares: Admixed American, 0.0067%; no homozygotes.

Submission:

PreventionGenetics, part of Exact Sciences
Classification: Likely benign for KLKB1-related condition. Last evaluated: 2019-02-28. Review status: no assertion criteria provided. Collection method: clinical testing. Allele origin: germline.
Comment: This variant is classified as likely benign based on ACMG/AMP sequence variant interpretation guidelines (Richards et al. 2015 PMID: 25741868, with internal and published modifications).